The following is an entry in ClinVar:

NM_014915.3(ANKRD26):c.319A>T (p.Asn107Tyr)

Gene: ANKRD26 (ankyrin repeat domain 26; minus strand). Cytogenetic location: 10p12.1.
Variant type: single nucleotide variant.
Coding change: c.319A>T on transcript NM_014915.3 (MANE Select); coding-DNA position 319, A replaced by T.
Protein change: p.Asn107Tyr; replaces asparagine 107 with tyrosine.
Molecular consequence: missense variant.
Genome position (GRCh38, 1-based): chr10:27,093,723, T>A on the plus strand (A>T on the coding strand, the complement: ANKRD26 is on the minus strand). VCF-style: chr10-27093723-T-A. GRCh37 (hg19) VCF-style: chr10-27382652-T-A.
Other names: c.319A>T, p.Asn107Tyr (NM_001256053.2); short protein forms N107Y.
Identifiers: ClinVar variation 2993069 (VCV002993069.6), dbSNP rs777897967, ClinGen allele CA5448984.

ClinVar aggregate classification (germline): Uncertain significance. Review status: criteria provided, multiple submitters, no conflicts (2 of 4 stars). 3 submissions from 3 submitters: Uncertain significance (3). Last evaluated 2025-12-11.

Conditions:
Inborn genetic diseases. Identifiers: MedGen C0950123, MeSH D030342.

gnomAD v4.1: 7 of 1,614,144 alleles (0.00043%); highest among the groups gnomAD compares: Admixed American, 0.01%; no homozygotes.

Submissions (3):

Labcorp Genetics (formerly Invitae), Labcorp
Classification: Uncertain significance. Last evaluated: 2025-12-11. Review status: criteria provided, single submitter. Criteria: Invitae Variant Classification Sherloc (09022015). Collection method: clinical testing. Allele origin: germline.
Comment: This sequence change replaces asparagine, which is neutral and polar, with tyrosine, which is neutral and polar, at codon 107 of the ANKRD26 protein (p.Asn107Tyr). This variant is present in population databases (rs777897967, gnomAD 0.02%). This variant has not been reported in the literature in individuals affected with ANKRD26-related conditions. ClinVar contains an entry for this variant (Variation ID: 2993069). An algorithm developed to predict the effect of missense changes on protein structure and function (PolyPhen-2) suggests that this variant is likely to be disruptive. In summary, the available evidence is currently insufficient to determine the role of this variant in disease. Therefore, it has been classified as a Variant of Uncertain Significance.

Ambry Genetics
Classification: Uncertain significance for Inborn genetic diseases. Last evaluated: 2025-01-31. Review status: criteria provided, single submitter. Criteria: Ambry Variant Classification Scheme 2023. Collection method: clinical testing. Allele origin: germline.
Comment: The p.N107Y variant (also known as c.319A>T), located in coding exon 2 of the ANKRD26 gene, results from an A to T substitution at nucleotide position 319. The asparagine at codon 107 is replaced by tyrosine, an amino acid with dissimilar properties. This amino acid position is conserved. In addition, this alteration is predicted to be tolerated by in silico analysis. Based on the available evidence, the clinical significance of this variant remains unclear.

GeneDx
Classification: Uncertain significance. Last evaluated: 2024-03-26. Review status: criteria provided, single submitter. Criteria: GeneDx Variant Classification Process June 2021. Collection method: clinical testing. Allele origin: germline. Affected: yes.
Comment: In silico analysis supports that this missense variant has a deleterious effect on protein structure/function; Has not been previously published as pathogenic or benign to our knowledge